The following is an entry in ClinVar:

ClinVar aggregate classification (germline): Uncertain significance (1 of 4 stars; one submission).

Allele frequency attached by ClinVar (database versions not stated): gnomAD exomes below 0.00001.
gnomAD v4.1: 1 of 1,614,194 alleles (0.000062%); highest among the groups gnomAD compares: South Asian, 0.0011%; no homozygotes.

Submission:

Labcorp Genetics (formerly Invitae), Labcorp
Classification: Uncertain significance. Last evaluated: 2024-01-26. Review status: criteria provided, single submitter. Criteria: Invitae Variant Classification Sherloc (09022015). Collection method: clinical testing. Allele origin: germline.
Comment: This sequence change replaces threonine, which is neutral and polar, with isoleucine, which is neutral and non-polar, at codon 650 of the LRP5 protein (p.Thr650Ile). This variant is not present in population databases (gnomAD no frequency). This variant has not been reported in the literature in individuals affected with LRP5-related conditions. Advanced modeling of protein sequence and biophysical properties (such as structural, functional, and spatial information, amino acid conservation, physicochemical variation, residue mobility, and thermodynamic stability) performed at Invitae indicates that this missense variant is not expected to disrupt LRP5 protein function with a negative predictive value of 95%. In summary, the available evidence is currently insufficient to determine the role of this variant in disease. Therefore, it has been classified as a Variant of Uncertain Significance.

NM_002335.4(LRP5):c.1949C>T (p.Thr650Ile)

Gene: LRP5 (LDL receptor related protein 5; plus strand). Cytogenetic location: 11q13.2.
Variant type: single nucleotide variant.
Coding change: c.1949C>T on transcript NM_002335.4 (MANE Select); coding-DNA position 1949, C replaced by T.
Protein change: p.Thr650Ile; replaces threonine 650 with isoleucine.
Molecular consequence: missense variant.
Genome position (GRCh38, 1-based): chr11:68,406,671, C>T. VCF-style: chr11-68406671-C-T. GRCh37 (hg19) VCF-style: chr11-68174139-C-T.
Other names: c.206C>T, p.Thr69Ile (NM_001291902.2); short protein forms T69I, T650I.
Identifiers: ClinVar variation 2746026 (VCV002746026.3), dbSNP rs2496719438, ClinGen allele CA381615634.
Genomic context (GRCh38, chr11:68,406,671, plus strand): 5'-GCCTGGAGCTGCTGAGTGACATGAAGACCTGCATCGTGCCTGAGGCCTTCTTGGTCTTCA[C>T]CAGCAGAGCCGCCATCCACAGGATCTCCCTCGAGACCAATAACAACGACGTGGCCATCCC-3'
Protein context (NP_002326.2, residues 640-660): CIVPEAFLVF[Thr650Ile]SRAAIHRISL